The following is an entry in ClinVar:

NM_198506.5(LRIT3):c.1238C>T (p.Ser413Phe)

Gene: LRIT3 (leucine rich repeat, Ig-like and transmembrane domains 3; plus strand). Cytogenetic location: 4q25.
Variant type: single nucleotide variant.
Coding change: c.1238C>T on transcript NM_198506.5 (MANE Select); coding-DNA position 1238, C replaced by T.
Protein change: p.Ser413Phe; replaces serine 413 with phenylalanine.
Molecular consequence: missense variant.
Genome position (GRCh38, 1-based): chr4:109,869,987, C>T. VCF-style: chr4-109869987-C-T. GRCh37 (hg19) VCF-style: chr4-110791143-C-T.
Other names: c.1103C>T (NM_198506.2); short protein forms S413F.
Identifiers: ClinVar variation 347189 (VCV000347189.14), dbSNP rs770968977, ClinGen allele CA3043155.

ClinVar aggregate classification (germline): Uncertain significance. Review status: criteria provided, multiple submitters, no conflicts (2 of 4 stars). 4 submissions from 4 submitters: Uncertain significance (4). Last evaluated 2025-04-24.

Conditions:
Inborn genetic diseases. Identifiers: MedGen C0950123, MeSH D030342.
Congenital stationary night blindness 1F. Also called: Night blindness, congenital stationary (complete), 1F, autosomal recessive. Identifiers: Orphanet 215, MedGen C3554399, MONDO:0014026, OMIM 615058.

Allele frequency attached by ClinVar (database versions not stated): gnomAD exomes 0.00003 and 0.00004; ExAC 0.00004; gnomAD 0.00004; TOPMed 0.00005.
gnomAD v4.1: 51 of 1,613,972 alleles (0.0032%); highest among the groups gnomAD compares: Non-Finnish European, 0.0023%; no homozygotes.

Submissions (4):

Labcorp Genetics (formerly Invitae), Labcorp
Classification: Uncertain significance. Last evaluated: 2025-04-24. Review status: criteria provided, single submitter. Criteria: Invitae Variant Classification Sherloc (09022015). Collection method: clinical testing. Allele origin: germline.
Comment: This sequence change replaces serine, which is neutral and polar, with phenylalanine, which is neutral and non-polar, at codon 413 of the LRIT3 protein (p.Ser413Phe). This variant is present in population databases (rs770968977, gnomAD 0.05%). This variant has not been reported in the literature in individuals affected with LRIT3-related conditions. ClinVar contains an entry for this variant (Variation ID: 347189). An algorithm developed to predict the effect of missense changes on protein structure and function (PolyPhen-2) suggests that this variant is likely to be tolerated. In summary, the available evidence is currently insufficient to determine the role of this variant in disease. Therefore, it has been classified as a Variant of Uncertain Significance.

Ambry Genetics
Classification: Uncertain significance for Inborn genetic diseases. Last evaluated: 2025-04-21. Review status: criteria provided, single submitter. Criteria: Ambry Variant Classification Scheme 2023. Collection method: clinical testing. Allele origin: germline.

Blueprint Genetics
Classification: Uncertain significance. Last evaluated: 2024-04-08. Review status: criteria provided, single submitter. Criteria: ACMG Guidelines, 2015. Collection method: clinical testing. Allele origin: germline.

Illumina Laboratory Services, Illumina
Classification: Uncertain significance for Congenital stationary night blindness 1F. Last evaluated: 2018-01-13. Review status: criteria provided, single submitter. Criteria: ICSL Variant Classification Criteria 13 December 2019. Collection method: clinical testing. Allele origin: germline.